The following is an entry in ClinVar:

ClinVar aggregate classification (germline): Conflicting classifications of pathogenicity. Review status: criteria provided, conflicting classifications (1 of 4 stars). 2 submissions from 2 submitters: Uncertain significance (1); Likely benign (1). Last evaluated 2026-02-18.

Conditions:
Hereditary cancer-predisposing syndrome. Also called: Tumor predisposition; Neoplastic Syndromes, Hereditary; Hereditary Cancer Syndrome; Hereditary neoplastic syndrome. Identifiers: Orphanet 140162, MedGen C0027672, MeSH D009386, MONDO:0015356.
Bloom syndrome (BLM). Also called: Bloom-Torre-Machacek syndrome. Identifiers: Orphanet 125, MedGen C0005859, MONDO:0008876, OMIM 210900.

Allele frequency attached by ClinVar (database versions not stated): gnomAD below 0.00001 and 0.00001; ExAC 0.00001.
gnomAD v4.1: 4 of 1,588,398 alleles (0.00025%); highest among the groups gnomAD compares: South Asian, 0.0045%; no homozygotes.

Submissions (2):

Ambry Genetics
Classification: Uncertain significance for Hereditary cancer-predisposing syndrome. Last evaluated: 2026-02-18. Review status: criteria provided, single submitter. Criteria: Ambry Variant Classification Scheme 2023. Collection method: clinical testing. Allele origin: germline.
Comment: The c.2205A>T variant (also known as p.T735T), located in coding exon 9, results from an A to T substitution at nucleotide position 2205 of the BLM gene. This nucleotide substitution does not change the amino acid at codon 735. This nucleotide position is not well conserved in available vertebrate species. In silico splice site analysis for this alteration is inconclusive. Based on the available evidence, the clinical significance of this variant remains unclear.

Labcorp Genetics (formerly Invitae), Labcorp
Classification: Likely benign for Bloom syndrome. Last evaluated: 2023-07-10. Review status: criteria provided, single submitter. Criteria: Invitae Variant Classification Sherloc (09022015). Collection method: clinical testing. Allele origin: germline.

NM_000057.4(BLM):c.2205A>T (p.Thr735=)

Gene: BLM (BLM RecQ like helicase; plus strand). Cytogenetic location: 15q26.1.
Variant type: single nucleotide variant.
Coding change: c.2205A>T on transcript NM_000057.4 (MANE Select); coding-DNA position 2205, A replaced by T.
Protein change: p.Thr735=; no amino-acid change (threonine 735 retained).
Molecular consequence: synonymous variant.
Genome position (GRCh38, 1-based): chr15:90,766,921, A>T. VCF-style: chr15-90766921-A-T. GRCh37 (hg19) VCF-style: chr15-91310151-A-T.
Other names: c.2205A>T, p.Thr735= (NM_001287246.2, NM_001287247.2); c.1080A>T, p.Thr360= (NM_001287248.2).
Identifiers: ClinVar variation 820859 (VCV000820859.8), dbSNP rs757134420, ClinGen allele CA7738696.